The following is an entry in ClinVar:

ClinVar aggregate classification (germline): Uncertain significance (1 of 4 stars; one submission).

Conditions:
KBG syndrome (KBGS). Also called: ANKRD11-Related KBG Syndrome. Identifiers: Orphanet 2332, MedGen C0220687, MONDO:0007846, OMIM 148050.

Submission:

Labcorp Genetics (formerly Invitae), Labcorp
Classification: Uncertain significance for KBG syndrome. Last evaluated: 2025-03-31. Review status: criteria provided, single submitter. Criteria: Invitae Variant Classification Sherloc (09022015). Collection method: clinical testing. Allele origin: germline.
Comment: This sequence change replaces arginine, which is basic and polar, with glycine, which is neutral and non-polar, at codon 2608 of the ANKRD11 protein (p.Arg2608Gly). This variant is not present in population databases (gnomAD no frequency). This variant has not been reported in the literature in individuals affected with ANKRD11-related conditions. ClinVar contains an entry for this variant (Variation ID: 1718852). Invitae Evidence Modeling of protein sequence and biophysical properties (such as structural, functional, and spatial information, amino acid conservation, physicochemical variation, residue mobility, and thermodynamic stability) indicates that this missense variant is expected to disrupt ANKRD11 protein function with a positive predictive value of 80%. In summary, the available evidence is currently insufficient to determine the role of this variant in disease. Therefore, it has been classified as a Variant of Uncertain Significance.

NM_013275.6(ANKRD11):c.7822C>G (p.Arg2608Gly)

Gene: ANKRD11 (ankyrin repeat domain 11; minus strand). Cytogenetic location: 16q24.3.
Variant type: single nucleotide variant.
Coding change: c.7822C>G on transcript NM_013275.6 (MANE Select); coding-DNA position 7822, C replaced by G.
Protein change: p.Arg2608Gly; replaces arginine 2608 with glycine.
Molecular consequence: missense variant.
Genome position (GRCh38, 1-based): chr16:89,268,648, G>C on the plus strand (C>G on the coding strand, the complement: ANKRD11 is on the minus strand). VCF-style: chr16-89268648-G-C. GRCh37 (hg19) VCF-style: chr16-89335056-G-C.
Other names: c.7822C>G, p.Arg2608Gly (NM_001256182.2, NM_001256183.2); short protein forms R2608G.
Identifiers: ClinVar variation 1718852 (VCV001718852.5), dbSNP rs1597389370, ClinGen allele CA397145365.
Genomic context (GRCh38, chr16:89,268,648, plus strand): 5'-CCTTCAGCTGCCACTCCATCCTCTGCACGGCGTTCAGGGCCGCGGCCTCGTGCTGCTGCC[G>C]CATGAGGAGGCAAGTCTGCGGGACACACAGCGGGGAGAGGAGGGAGGAGGAGTGAAGGGA-3'
Protein context (NP_037407.4, residues 2598-2618): YDRMKTCLLM[Arg2608Gly]QQHEAAALNA